The following is an entry in ClinVar:

NM_206933.4(USH2A):c.13524dup (p.Val4509fs)

Gene: USH2A (usherin; minus strand). Cytogenetic location: 1q41.
Variant type: Duplication.
Coding change: c.13524dup on transcript NM_206933.4 (MANE Select); coding-DNA position 13524, one base duplicated (A; older notation c.13524dupA).
Protein change: p.Val4509fs; shifts the reading frame from valine 4509.
Molecular consequence: frameshift variant.
Genome position (GRCh38, 1-based): chr1:215,674,387, T duplicated on the plus strand (A on the coding strand, the reverse complement: USH2A is on the minus strand). VCF-style (leftmost placement, unchanged base first): chr1-215674386-C-CT. GRCh37 (hg19) VCF-style: chr1-215847728-C-CT.
Other names: short protein forms V4509fs.
Identifiers: ClinVar variation 2865168 (VCV002865168.3), dbSNP rs2464894799, ClinGen allele CA2739275672.

ClinVar aggregate classification (germline): Pathogenic (1 of 4 stars; one submission).

Submission:

Labcorp Genetics (formerly Invitae), Labcorp
Classification: Pathogenic. Last evaluated: 2023-05-22. Review status: criteria provided, single submitter. Criteria: Invitae Variant Classification Sherloc (09022015). Collection method: clinical testing. Allele origin: germline.
Comment: For these reasons, this variant has been classified as Pathogenic. This variant has not been reported in the literature in individuals affected with USH2A-related conditions. This variant is not present in population databases (gnomAD no frequency). This sequence change creates a premature translational stop signal (p.Val4509Serfs*53) in the USH2A gene. It is expected to result in an absent or disrupted protein product. Loss-of-function variants in USH2A are known to be pathogenic (PMID: 10729113, 10909849, 20507924, 25649381).

Literature cited by the submitters: PubMed 10729113; PubMed 10909849; PubMed 20507924; PubMed 25649381.